The following is an entry in ClinVar:

NM_001378454.1(ALMS1):c.2176del (p.Tyr726fs)

Gene: ALMS1 (ALMS1 centrosome and basal body associated protein; plus strand). Cytogenetic location: 2p13.1.
Variant type: Deletion.
Coding change: c.2176del on transcript NM_001378454.1 (MANE Select); coding-DNA position 2176, one base deleted (T; older notation c.2176delT).
Protein change: p.Tyr726fs; shifts the reading frame from tyrosine 726.
Molecular consequence: frameshift variant.
Genome position (GRCh38, 1-based): chr2:73,448,703, T deleted; the last of 6 consecutive T bases (chr2:73,448,698-73,448,703); deleting any one gives the same sequence. VCF-style (leftmost placement, unchanged base first): chr2-73448697-AT-A. GRCh37 (hg19) VCF-style: chr2-73675824-AT-A.
Other names: c.2179del, p.Tyr727fs (NM_015120.4); short protein forms Y726fs, Y727fs.
Identifiers: ClinVar variation 1982236 (VCV001982236.6), dbSNP rs771459937, ClinGen allele CA1713296.
Genomic context (GRCh38, chr2:73,448,697, plus strand): 5'-CAGAAGACTGGGACAGCAACAGTACTCTCTACTCCCCACTCACATAGAGAGAAGCCTGGT[AT>A]TTTTTACCAACAAGAGTTCGCAGACAGTCATCAAACTGAAGAGACTCTTACTAAAGTTTC-3'

ClinVar aggregate classification (germline): Pathogenic/Likely pathogenic. Review status: criteria provided, multiple submitters, no conflicts (2 of 4 stars). 3 submissions from 3 submitters: Pathogenic (1); Likely pathogenic (2). Last evaluated 2022-08-04.

Conditions:
ALMS1-related disorder. Also called: ALMS1-related condition.
Alstrom syndrome (ALMS). Identifiers: Orphanet 64, MedGen C0268425, MONDO:0008763, OMIM 203800.

Submissions (3):

Labcorp Genetics (formerly Invitae), Labcorp
Classification: Pathogenic for Alstrom syndrome. Last evaluated: 2022-08-04. Review status: criteria provided, single submitter. Criteria: Invitae Variant Classification Sherloc (09022015). Collection method: clinical testing. Allele origin: germline.
Comment: For these reasons, this variant has been classified as Pathogenic. This variant has not been reported in the literature in individuals affected with ALMS1-related conditions. This variant is present in population databases (rs771459937, gnomAD 0.006%). This sequence change creates a premature translational stop signal (p.Tyr727Thrfs*53) in the ALMS1 gene. It is expected to result in an absent or disrupted protein product. Loss-of-function variants in ALMS1 are known to be pathogenic (PMID: 17594715).

Laboratory for Molecular Medicine, Mass General Brigham Personalized Medicine
Classification: Likely pathogenic for Alstrom syndrome. Last evaluated: 2020-06-09. Review status: criteria provided, single submitter. Criteria: ACMG Guidelines, 2015. Collection method: clinical testing. Allele origin: germline. Inheritance: Autosomal recessive inheritance.
Comment: The c.2179delT, p.Tyr727ThrfsX53 variant in ALMS1 has not been previously reported in individuals with Alstrom syndrome but has been identified in 0.006% (2/34512) of Latino chromosomes by gnomAD. Please note that due to a discrepancy between the NM_015120.4 transcript and the GRCh37/hg19 genomic sequence in which NM_015120.4 transcript has 2 extra codons and 6 extra nucleotides. Therefore, this variant may also be referred to as c.2173delT, p.Tyr725thrfsX53. This variant is predicted to cause a frameshift, which alters the protein’s amino acid sequence beginning at position 727 and leads to a premature termination codon 53 amino acids downstream. This alteration is then predicted to lead to a truncated or absent protein. Loss of function of the ALMS1 gene is an established disease mechanism in autosomal recessive Alstrom syndrome. In summary, although additional studies are required to fully establish its clinical significance, this variant meets criteria to be classified as likely pathogenic for autosomal recessive Alstrom syndrome. ACMG/AMP Criteria applied: PVS1, PM2.

Blueprint Genetics
Classification: Likely pathogenic for ALMS1-related disorders. Last evaluated: 2018-10-10. Review status: criteria provided, single submitter. Criteria: ACMG Guidelines, 2015. Collection method: clinical testing. Allele origin: germline. Affected: yes. Observed: 1 variant allele.

Literature cited by the submitters: PubMed 17594715 (cited by Labcorp Genetics (formerly Invitae), Labcorp).